The following is an entry in ClinVar:

NM_000135.4(FANCA):c.953G>T (p.Arg318Met)

Gene: FANCA (FA complementation group A; minus strand). Cytogenetic location: 16q24.3.
Variant type: single nucleotide variant.
Coding change: c.953G>T on transcript NM_000135.4 (MANE Select); coding-DNA position 953, G replaced by T.
Protein change: p.Arg318Met; replaces arginine 318 with methionine.
Molecular consequence: missense variant.
Genome position (GRCh38, 1-based): chr16:89,795,959, C>A on the plus strand (G>T on the coding strand, the complement: FANCA is on the minus strand). VCF-style: chr16-89795959-C-A. GRCh37 (hg19) VCF-style: chr16-89862367-C-A.
Other names: c.953G>T (LRG_495t1); c.953G>T, p.Arg318Met (NM_001286167.3); short protein forms R318M.
Identifiers: ClinVar variation 456144 (VCV000456144.17), dbSNP rs72552377, ClinGen allele CA8252614.

ClinVar aggregate classification (germline): Conflicting classifications of pathogenicity. Review status: criteria provided, conflicting classifications (1 of 4 stars). 4 submissions from 4 submitters: Uncertain significance (2); Likely benign (1). 1 of the submissions does not count toward it. Last evaluated 2026-08-31.

Conditions:
FANCA-related disorder. Also called: FANCA-related condition.
Fanconi anemia (FA). Also called: Fanconi's anemia. Identifiers: Orphanet 84, MedGen C0015625, MeSH D005199, MONDO:0019391.
Fanconi anemia complementation group A (FANCA). Also called: Fanconi anemia, group A; FANCA-Related Fanconi Anemia. Identifiers: Orphanet 84, MedGen C3469521, MONDO:0009215, OMIM 227650.

Allele frequency attached by ClinVar (database versions not stated): TOPMed below 0.00001; gnomAD exomes 0.00002 and 0.00005; ExAC 0.00005.
gnomAD v4.1: 34 of 1,614,168 alleles (0.0021%); highest among the groups gnomAD compares: East Asian, 0.076%; no homozygotes.

Submissions (4):

PreventionGenetics, part of Exact Sciences
Classification: Uncertain significance for FANCA-related condition. Last evaluated: 2026-08-31. Review status: criteria provided, single submitter. Criteria: ACMG Guidelines, 2015. Collection method: clinical testing. Allele origin: germline.
Comment: The FANCA c.953G>T variant is predicted to result in the amino acid substitution p.Arg318Met. To our knowledge, this variant has not been reported in the literature. This variant is reported in 0.065% of alleles in individuals of East Asian descent in gnomAD. At this time, the clinical significance of this variant is uncertain due to the absence of conclusive functional and genetic evidence.

Labcorp Genetics (formerly Invitae), Labcorp
Classification: Likely benign for Fanconi anemia. Last evaluated: 2025-05-11. Review status: criteria provided, single submitter. Criteria: Invitae Variant Classification Sherloc (09022015). Collection method: clinical testing. Allele origin: germline.

Illumina Laboratory Services, Illumina
Classification: Uncertain significance for Fanconi anemia complementation group A. Last evaluated: 2017-04-27. Review status: criteria provided, single submitter. Criteria: ICSL Variant Classification Criteria 13 December 2019. Collection method: clinical testing. Allele origin: germline.

Natera, Inc.
Classification: Uncertain significance for Fanconi anemia. Last evaluated: 2020-01-20. Review status: no assertion criteria provided. Collection method: clinical testing. Allele origin: germline. Not counted in ClinVar's aggregate classification.